The following is an entry in ClinVar:

ClinVar aggregate classification (germline): Uncertain significance (1 of 4 stars; one submission).

Conditions:
Hypercholesterolemia, autosomal dominant, type B (FHCL2). Also called: APOB-Related Familial Hypercholesterolemia, Autosomal Dominant; Familial Hypercholesterolemia Type B; APOLIPOPROTEIN B-100, FAMILIAL DEFECTIVE; APOLIPOPROTEIN B-100, FAMILIAL LIGAND-DEFECTIVE; HYPERCHOLESTEROLEMIA, FAMILIAL, DUE TO LIGAND-DEFECTIVE APOLIPOPROTEIN B; Hyperlipoproteinemia Type IIb. Identifiers: MedGen C1704417, MONDO:0007751, OMIM 144010.
Familial hypobetalipoproteinemia 1. Also called: Hypobetalipoproteinemia, normotriglyceridemic; Acanthocytosis with hypobetalipoproteinemia; APOB-Related Familial Hypobetalipoproteinemia. Identifiers: MedGen C4551990, MONDO:0014252, OMIM 615558.

Submission:

Labcorp Genetics (formerly Invitae), Labcorp
Classification: Uncertain significance for Familial hypobetalipoproteinemia 1; Hypercholesterolemia, autosomal dominant, type B. Last evaluated: 2023-09-30. Review status: criteria provided, single submitter. Criteria: Invitae Variant Classification Sherloc (09022015). Collection method: clinical testing. Allele origin: germline.
Comment: This variant has not been reported in the literature in individuals affected with APOB-related conditions. This variant is not present in population databases (gnomAD no frequency). This sequence change falls in intron 18 of the APOB gene. It does not directly change the encoded amino acid sequence of the APOB protein. It affects a nucleotide within the consensus splice site. Variants that disrupt the consensus splice site are a relatively common cause of aberrant splicing (PMID: 17576681, 9536098). Algorithms developed to predict the effect of sequence changes on RNA splicing suggest that this variant is not likely to affect RNA splicing. In summary, the available evidence is currently insufficient to determine the role of this variant in disease. Therefore, it has been classified as a Variant of Uncertain Significance.

Literature cited by the submitters: PubMed 17576681; PubMed 9536098.

NM_000384.3(APOB):c.2816+5T>G

Gene: APOB (apolipoprotein B; minus strand). Cytogenetic location: 2p24.1.
Variant type: single nucleotide variant.
Coding change: c.2816+5T>G on transcript NM_000384.3 (MANE Select); 5 bases into the intron after coding-DNA position 2816, T replaced by G.
Molecular consequence: intron variant.
Genome position (GRCh38, 1-based): chr2:21,022,826, A>C on the plus strand (T>G on the coding strand, the complement: APOB is on the minus strand). VCF-style: chr2-21022826-A-C. GRCh37 (hg19) VCF-style: chr2-21245698-A-C.
Identifiers: ClinVar variation 2952401 (VCV002952401.3), dbSNP rs2465406804, ClinGen allele CA2740092696.